The following is an entry in ClinVar:

ClinVar aggregate classification (germline): Uncertain significance (1 of 4 stars; one submission).

Submission:

Ambry Genetics
Classification: Uncertain significance. Last evaluated: 2023-05-31. Review status: criteria provided, single submitter. Criteria: Ambry Variant Classification Scheme 2023. Collection method: clinical testing. Allele origin: germline.
Comment: The p.M853I variant (also known as c.2559G>T), located in coding exon 13 of the NPAT gene, results from a G to T substitution at nucleotide position 2559. The methionine at codon 853 is replaced by isoleucine, an amino acid with highly similar properties. This amino acid position is conserved. In addition, this alteration is predicted to be tolerated by in silico analysis. Since supporting evidence is limited at this time, the clinical significance of this alteration remains unclear.

NM_002519.3(NPAT):c.2559G>T (p.Met853Ile)

Gene: NPAT (nuclear protein, coactivator of histone transcription; minus strand). Cytogenetic location: 11q22.3.
Variant type: single nucleotide variant.
Coding change: c.2559G>T on transcript NM_002519.3 (MANE Select); coding-DNA position 2559, G replaced by T.
Protein change: p.Met853Ile; replaces methionine 853 with isoleucine.
Molecular consequence: missense variant.
Genome position (GRCh38, 1-based): chr11:108,172,425, C>A on the plus strand (G>T on the coding strand, the complement: NPAT is on the minus strand). VCF-style: chr11-108172425-C-A. GRCh37 (hg19) VCF-style: chr11-108043152-C-A.
Other names: c.2559G>T, p.Met853Ile (NM_001321307.1); short protein forms M853I.
Identifiers: ClinVar variation 2568025 (VCV002568025.2), dbSNP rs2496716791, ClinGen allele CA382512716.
Genomic context (GRCh38, chr11:108,172,425, plus strand): 5'-AGTCACACAGGTAGCTATCAGAATGTTATTTGAATTGCCAAAAGCTGTGCTTGTGGCTGG[C>A]ATCAACTGTATATATCCTCCATCCTTGGAAACACATGGTGTAACATTAGCTGAAAAAGCA-3'
Protein context (NP_002510.2, residues 843-863): VSKDGGYIQL[Met853Ile]PATSTAFGNS